The following is an entry in ClinVar:

NM_005413.4(SIX3):c.436C>T (p.Arg146Cys)

Gene: SIX3 (SIX homeobox 3; plus strand). Cytogenetic location: 2p21.
Variant type: single nucleotide variant.
Coding change: c.436C>T on transcript NM_005413.4 (MANE Select); coding-DNA position 436, C replaced by T.
Protein change: p.Arg146Cys; replaces arginine 146 with cysteine.
Molecular consequence: missense variant.
Genome position (GRCh38, 1-based): chr2:44,942,540, C>T. VCF-style: chr2-44942540-C-T. GRCh37 (hg19) VCF-style: chr2-45169679-C-T.
Other names: c.436C>T (NM_005413.3); short protein forms R146C.
Identifiers: ClinVar variation 2697459 (VCV002697459.4), dbSNP rs756395470, ClinGen allele CA1642325.

ClinVar aggregate classification (germline): Uncertain significance. Review status: criteria provided, multiple submitters, no conflicts (2 of 4 stars). 2 submissions from 2 submitters: Uncertain significance (2). Last evaluated 2025-08-30.

Conditions:
Holoprosencephaly 2 (HPE2). Identifiers: Orphanet 2162, MedGen C1834877, MONDO:0007999, OMIM 157170.
Inborn genetic diseases. Identifiers: MedGen C0950123, MeSH D030342.

Allele frequency attached by ClinVar (database versions not stated): gnomAD exomes 0.00001; ExAC 0.00002; gnomAD 0.00010.
gnomAD v4.1: 28 of 1,598,520 alleles (0.0018%); highest among the groups gnomAD compares: African/African-American, 0.029%; no homozygotes.

Submissions (2):

Ambry Genetics
Classification: Uncertain significance for Inborn genetic diseases. Last evaluated: 2025-08-30. Review status: criteria provided, single submitter. Criteria: Ambry Variant Classification Scheme 2023. Collection method: clinical testing. Allele origin: germline.

Labcorp Genetics (formerly Invitae), Labcorp
Classification: Uncertain significance for Holoprosencephaly 2. Last evaluated: 2023-04-09. Review status: criteria provided, single submitter. Criteria: Invitae Variant Classification Sherloc (09022015). Collection method: clinical testing. Allele origin: germline.
Comment: In summary, the available evidence is currently insufficient to determine the role of this variant in disease. Therefore, it has been classified as a Variant of Uncertain Significance. Advanced modeling of protein sequence and biophysical properties (such as structural, functional, and spatial information, amino acid conservation, physicochemical variation, residue mobility, and thermodynamic stability) has been performed at Invitae for this missense variant, however the output from this modeling did not meet the statistical confidence thresholds required to predict the impact of this variant on SIX3 protein function. This variant has not been reported in the literature in individuals affected with SIX3-related conditions. This variant is present in population databases (rs756395470, gnomAD 0.03%). This sequence change replaces arginine, which is basic and polar, with cysteine, which is neutral and slightly polar, at codon 146 of the SIX3 protein (p.Arg146Cys).